The following is an entry in ClinVar:

NM_001080449.3(DNA2):c.71A>G (p.Glu24Gly)

Gene: DNA2 (DNA replication helicase/nuclease 2; minus strand). Cytogenetic location: 10q21.3.
Variant type: single nucleotide variant.
Coding change: c.71A>G on transcript NM_001080449.3 (MANE Select); coding-DNA position 71, A replaced by G.
Protein change: p.Glu24Gly; replaces glutamic acid 24 with glycine.
Molecular consequence: missense variant. On other transcripts: non-coding transcript variant (1).
Genome position (GRCh38, 1-based): chr10:68,471,794, T>C on the plus strand (A>G on the coding strand, the complement: DNA2 is on the minus strand). VCF-style: chr10-68471794-T-C. GRCh37 (hg19) VCF-style: chr10-70231551-T-C.
Other names: short protein forms E24G.
Identifiers: ClinVar variation 546641 (VCV000546641.46), dbSNP rs1225526140, ClinGen allele CA376833448.

ClinVar aggregate classification (germline): Uncertain significance. Review status: criteria provided, multiple submitters, no conflicts (2 of 4 stars). 2 submissions from 2 submitters: Uncertain significance (2). Last evaluated 2023-06-17.

Allele frequency attached by ClinVar (database versions not stated): gnomAD exomes below 0.00001 and 0.00001; gnomAD 0.00001; TOPMed 0.00001.

Submissions (2):

Labcorp Genetics (formerly Invitae), Labcorp
Classification: Uncertain significance. Last evaluated: 2023-06-17. Review status: criteria provided, single submitter. Criteria: Invitae Variant Classification Sherloc (09022015). Collection method: clinical testing. Allele origin: germline.
Comment: This sequence change replaces glutamic acid, which is acidic and polar, with glycine, which is neutral and non-polar, at codon 24 of the DNA2 protein (p.Glu24Gly). The frequency data for this variant in the population databases is considered unreliable, as metrics indicate poor data quality at this position in the gnomAD database. In summary, the available evidence is currently insufficient to determine the role of this variant in disease. Therefore, it has been classified as a Variant of Uncertain Significance. Algorithms developed to predict the effect of sequence changes on RNA splicing suggest that this variant may create or strengthen a splice site. Experimental studies and prediction algorithms are not available or were not evaluated, and the functional significance of this variant is currently unknown. ClinVar contains an entry for this variant (Variation ID: 546641). This variant has not been reported in the literature in individuals affected with DNA2-related conditions.

CeGaT Center for Human Genetics Tuebingen
Classification: Uncertain significance. Last evaluated: 2017-11-01. Review status: criteria provided, single submitter. Criteria: CeGaT Center For Human Genetics Tuebingen Variant Classification Criteria Version 2. Collection method: clinical testing. Allele origin: germline. Affected: yes. Observed: 1 variant allele.